The following is an entry in ClinVar:

ClinVar aggregate classification (germline): Likely pathogenic (1 of 4 stars; one submission).

Conditions:
Inborn genetic diseases. Identifiers: MedGen C0950123, MeSH D030342.

Submission:

Ambry Genetics
Classification: Likely pathogenic for Inborn genetic diseases. Last evaluated: 2025-10-20. Review status: criteria provided, single submitter. Criteria: Ambry Variant Classification Scheme 2023. Collection method: clinical testing. Allele origin: germline.
Comment: The c.515T>G (p.I172S) alteration is located in exon 6 (coding exon 6) of the PRPF19 gene. This alteration results from a T to G substitution at nucleotide position 515, causing the isoleucine (I) at amino acid position 172 to be replaced by a serine (S). This variant was not reported in population-based cohorts in the Genome Aggregation Database (gnomAD). This amino acid position is highly conserved in available vertebrate species. This missense alteration is located in a region that has a low rate of benign missense variation (Lek, 2016; Firth, 2009). This alteration is predicted to be deleterious by in silico analysis. Based on the available evidence, this alteration is classified as likely pathogenic.

NM_014502.5(PRPF19):c.515T>G (p.Ile172Ser)

Gene: PRPF19 (pre-mRNA processing factor 19; minus strand). Cytogenetic location: 11q12.2.
Variant type: single nucleotide variant.
Coding change: c.515T>G on transcript NM_014502.5 (MANE Select); coding-DNA position 515, T replaced by G.
Protein change: p.Ile172Ser; replaces isoleucine 172 with serine.
Molecular consequence: missense variant.
Genome position (GRCh38, 1-based): chr11:60,902,413, A>C on the plus strand (T>G on the coding strand, the complement: PRPF19 is on the minus strand). VCF-style: chr11-60902413-A-C. GRCh37 (hg19) VCF-style: chr11-60669885-A-C.
Other names: short protein forms I172S.
Identifiers: ClinVar variation 4144956 (VCV004144956.2).
Genomic context (GRCh38, chr11:60,902,413, plus strand): 5'-TGAAAAGTAAGGGCCCATCAGCACTCCCACCAGGTGAGAGCAGGACTTACCTTCTGAATA[A>C]TCTCTGGGGTCATTCCCACCAGCTCACCCAAATCCATTGGCTCACCCGCACCCTGAAGAG-3'
Protein context (NP_055317.1, residues 162-182): LGELVGMTPE[Ile172Ser]IQKLQDKATV